The following is an entry in ClinVar:

ClinVar aggregate classification (germline): Likely benign (1 of 4 stars; one submission).

gnomAD v4.1: 1 of 1,610,358 alleles (0.000062%); no homozygotes.

Submission:

CeGaT Center for Human Genetics Tuebingen
Classification: Likely benign. Last evaluated: 2025-04-01. Review status: criteria provided, single submitter. Criteria: CeGaT Center For Human Genetics Tuebingen Variant Classification Criteria Version 2. Collection method: clinical testing. Allele origin: germline. Affected: yes. Observed: 1 variant allele.
Comment: RTTN: BP4, BP7

NM_173630.4(RTTN):c.4575C>T (p.Asp1525=)

Gene: RTTN (rotatin; minus strand). Cytogenetic location: 18q22.2.
Variant type: single nucleotide variant.
Coding change: c.4575C>T on transcript NM_173630.4 (MANE Select); coding-DNA position 4575, C replaced by T.
Protein change: p.Asp1525=; no amino-acid change (aspartic acid 1525 retained).
Molecular consequence: synonymous variant.
Genome position (GRCh38, 1-based): chr18:70,073,984, G>A on the plus strand (C>T on the coding strand, the complement: RTTN is on the minus strand). VCF-style: chr18-70073984-G-A. GRCh37 (hg19) VCF-style: chr18-67741220-G-A.
Other names: c.1839C>T, p.Asp613= (NM_001318520.2).
Identifiers: ClinVar variation 3898579 (VCV003898579.7).